The following is an entry in ClinVar:

NM_000152.5(GAA):c.148G>A (p.Glu50Lys)

Gene: GAA (alpha glucosidase; plus strand). Cytogenetic location: 17q25.3.
Variant type: single nucleotide variant.
Coding change: c.148G>A on transcript NM_000152.5 (MANE Select); coding-DNA position 148, G replaced by A.
Protein change: p.Glu50Lys; replaces glutamic acid 50 with lysine.
Molecular consequence: missense variant.
Genome position (GRCh38, 1-based): chr17:80,104,734, G>A. VCF-style: chr17-80104734-G-A. GRCh37 (hg19) VCF-style: chr17-78078533-G-A.
Other names: c.148G>A (LRG_673t1); c.148G>A, p.Glu50Lys (NM_001079803.3, NM_001079804.3); short protein forms E50K.
Identifiers: ClinVar variation 456382 (VCV000456382.10), dbSNP rs1555598609, ClinGen allele CA401360339.
Genomic context (GRCh38, chr17:80,104,734, plus strand): 5'-ATCCTACTCCATGATTTCCTGCTGGTTCCCCGAGAGCTGAGTGGCTCCTCCCCAGTCCTG[G>A]AGGAGACTCACCCAGCTCACCAGCAGGGAGCCAGCAGACCAGGGCCCCGGGATGCCCAGG-3'
Protein context (NP_000143.2, residues 40-60): RELSGSSPVL[Glu50Lys]ETHPAHQQGA

ClinVar aggregate classification (germline): Uncertain significance. Review status: criteria provided, multiple submitters, no conflicts (2 of 4 stars). 2 submissions from 2 submitters: Uncertain significance (2). Last evaluated 2021-06-04.

Conditions:
Glycogen storage disease, type II (IOPD). Also called: Glucosidase acid-1,4-alpha deficiency; Pompe Disease; POMPE DISEASE, INFANTILE-ONSET; GLYCOGEN STORAGE DISEASE II, INFANTILE-ONSET; ACID ALPHA-GLUCOSIDASE DEFICIENCY, INFANTILE-ONSET; GAA DEFICIENCY, INFANTILE-ONSET. Identifiers: Orphanet 365, MedGen C0017921, MONDO:0009290, OMIM 232300.

Submissions (2):

Labcorp Genetics (formerly Invitae), Labcorp
Classification: Uncertain significance for Glycogen storage disease, type II. Last evaluated: 2021-06-04. Review status: criteria provided, single submitter. Criteria: Invitae Variant Classification Sherloc (09022015). Collection method: clinical testing. Allele origin: germline.
Comment: In summary, this variant is a novel missense change that is not predicted to affect protein function. There is no indication that it causes disease, but the available evidence is currently insufficient to prove that conclusively. Therefore, it has been classified as a Variant of Uncertain Significance. Algorithms developed to predict the effect of missense changes on protein structure and function output the following: SIFT: "Tolerated"; PolyPhen-2: "Benign"; Align-GVGD: "Class C0". The lysine amino acid residue is found in multiple mammalian species, suggesting that this missense change does not adversely affect protein function. These predictions have not been confirmed by published functional studies. This variant is not present in population databases (ExAC no frequency) and has not been reported in the literature in individuals with a GAA-related disease. This sequence change replaces glutamic acid with lysine at codon 50 of the GAA protein (p.Glu50Lys). The glutamic acid residue is weakly conserved and there is a small physicochemical difference between glutamic acid and lysine.

Center for Genomics, Ann and Robert H. Lurie Children's Hospital of Chicago
Classification: Uncertain significance for Glycogen storage disease, type II. Last evaluated: 2021-03-30. Review status: criteria provided, single submitter. Criteria: ACMG Guidelines, 2015. Collection method: clinical testing. Allele origin: germline.
Comment: GAA NM_000152.4 exon 2 p.Glu50Lys (c.148G>A): This variant has not been reported in the literature and is not present in large control databases. This variant is present in ClinVar (Variation ID:456382). This variant amino acid Lysine (Lys) is present in multiple species including the marmoset and the squirrel monkey, and it is not well conserved among evolutionarily distant species; this suggests that this variant may not impact the protein. Additional computational prediction tools do not suggest an impact. In summary, data on this variant is insufficient for disease classification. Therefore, the clinical significance of this variant is uncertain.